The following is an entry in ClinVar:

NM_144670.6(A2ML1):c.729G>T (p.Arg243Ser)

Gene: A2ML1 (alpha-2-macroglobulin like 1; plus strand). Cytogenetic location: 12p13.31.
Variant type: single nucleotide variant.
Coding change: c.729G>T on transcript NM_144670.6 (MANE Select); coding-DNA position 729, G replaced by T.
Protein change: p.Arg243Ser; replaces arginine 243 with serine.
Molecular consequence: missense variant.
Genome position (GRCh38, 1-based): chr12:8,837,440, G>T. VCF-style: chr12-8837440-G-T. GRCh37 (hg19) VCF-style: chr12-8990036-G-T.
Other names: short protein forms R243S.
Identifiers: ClinVar variation 1993368 (VCV001993368.4), dbSNP rs2539206907, ClinGen allele CA383822676.

ClinVar aggregate classification (germline): Uncertain significance (1 of 4 stars; one submission).

Submission:

Labcorp Genetics (formerly Invitae), Labcorp
Classification: Uncertain significance. Last evaluated: 2022-10-03. Review status: criteria provided, single submitter. Criteria: Invitae Variant Classification Sherloc (09022015). Collection method: clinical testing. Allele origin: germline.
Comment: In summary, the available evidence is currently insufficient to determine the role of this variant in disease. Therefore, it has been classified as a Variant of Uncertain Significance. Algorithms developed to predict the effect of sequence changes on RNA splicing suggest that this variant may disrupt the consensus splice site. Algorithms developed to predict the effect of missense changes on protein structure and function (SIFT, PolyPhen-2, Align-GVGD) all suggest that this variant is likely to be tolerated. This variant has not been reported in the literature in individuals affected with A2ML1-related conditions. This variant is not present in population databases (gnomAD no frequency). This sequence change replaces arginine, which is basic and polar, with serine, which is neutral and polar, at codon 243 of the A2ML1 protein (p.Arg243Ser).